The following is an entry in ClinVar:

NM_006922.4(SCN3A):c.3487C>T (p.Leu1163Phe)

Gene: SCN3A (sodium voltage-gated channel alpha subunit 3; minus strand). Cytogenetic location: 2q24.3.
Variant type: single nucleotide variant.
Coding change: c.3487C>T on transcript NM_006922.4 (MANE Select); coding-DNA position 3487, C replaced by T.
Protein change: p.Leu1163Phe; replaces leucine 1163 with phenylalanine.
Molecular consequence: missense variant.
Genome position (GRCh38, 1-based): chr2:165,115,482, G>A on the plus strand (C>T on the coding strand, the complement: SCN3A is on the minus strand). VCF-style: chr2-165115482-G-A. GRCh37 (hg19) VCF-style: chr2-165971992-G-A.
Other names: c.3340C>T, p.Leu1114Phe (NM_001081676.2, NM_001081677.2); short protein forms L1114F, L1163F.
Identifiers: ClinVar variation 638876 (VCV000638876.8), dbSNP rs1212912654, ClinGen allele CA349035646.

ClinVar aggregate classification (germline): Uncertain significance (1 of 4 stars; one submission).

Allele frequency attached by ClinVar (database versions not stated): gnomAD exomes below 0.00001.

Submission:

Labcorp Genetics (formerly Invitae), Labcorp
Classification: Uncertain significance. Last evaluated: 2018-09-20. Review status: criteria provided, single submitter. Criteria: Invitae Variant Classification Sherloc (09022015). Collection method: clinical testing. Allele origin: germline.
Comment: This sequence change replaces leucine with phenylalanine at codon 1163 of the SCN3A protein (p.Leu1163Phe). The leucine residue is moderately conserved and there is a small physicochemical difference between leucine and phenylalanine. In summary, the available evidence is currently insufficient to determine the role of this variant in disease. Therefore, it has been classified as a Variant of Uncertain Significance. Algorithms developed to predict the effect of missense changes on protein structure and function (SIFT, PolyPhen-2, Align-GVGD) all suggest that this variant is likely to be tolerated, but these predictions have not been confirmed by published functional studies and their clinical significance is uncertain. This variant has not been reported in the literature in individuals with SCN3A-related disease. This variant is not present in population databases (ExAC no frequency).